The following is an entry in ClinVar:

NM_018834.6(MATR3):c.960G>T (p.Gln320His)

Gene: MATR3 (matrin 3; plus strand). Cytogenetic location: 5q31.2.
Variant type: single nucleotide variant.
Coding change: c.960G>T on transcript NM_018834.6 (MANE Select); coding-DNA position 960, G replaced by T.
Protein change: p.Gln320His; replaces glutamine 320 with histidine.
Molecular consequence: missense variant. On other transcripts: 5 prime UTR variant (1).
Genome position (GRCh38, 1-based): chr5:139,314,722, G>T. VCF-style: chr5-139314722-G-T. GRCh37 (hg19) VCF-style: chr5-138650411-G-T.
Other names: c.960G>T, p.Gln320His (NM_001194954.2, NM_001194955.2, NM_199189.3); c.96G>T, p.Gln32His (NM_001194956.2); c.-55G>T (NM_001282278.2); c.960G>T (NM_199189.2); short protein forms Q320H, Q32H.
Identifiers: ClinVar variation 1443041 (VCV001443041.7), dbSNP rs773617455, ClinGen allele CA3432973.

ClinVar aggregate classification (germline): Uncertain significance. Review status: criteria provided, multiple submitters, no conflicts (2 of 4 stars). 2 submissions from 2 submitters: Uncertain significance (2). Last evaluated 2025-09-24.

Conditions:
Inborn genetic diseases. Identifiers: MedGen C0950123, MeSH D030342.
Amyotrophic lateral sclerosis type 21. Also called: VOCAL CORD AND PHARYNGEAL DYSFUNCTION WITH DISTAL MYOPATHY; MYOPATHY, DISTAL, 2. Identifiers: Orphanet 600, Orphanet 803, MedGen C3807521, MONDO:0011632, OMIM 606070.

Allele frequency attached by ClinVar (database versions not stated): ExAC 0.00001; gnomAD 0.00001.
gnomAD v4.1: 2 of 1,613,590 alleles (0.00012%); highest among the groups gnomAD compares: African/African-American, 0.0027%; no homozygotes.

Submissions (2):

Labcorp Genetics (formerly Invitae), Labcorp
Classification: Uncertain significance for Amyotrophic lateral sclerosis type 21. Last evaluated: 2025-09-24. Review status: criteria provided, single submitter. Criteria: Invitae Variant Classification Sherloc (09022015). Collection method: clinical testing. Allele origin: germline.
Comment: This sequence change replaces glutamine, which is neutral and polar, with histidine, which is basic and polar, at codon 320 of the MATR3 protein (p.Gln320His). This variant is present in population databases (rs773617455, gnomAD 0.007%). This variant has not been reported in the literature in individuals affected with MATR3-related conditions. ClinVar contains an entry for this variant (Variation ID: 1443041). Invitae Evidence Modeling of protein sequence and biophysical properties (such as structural, functional, and spatial information, amino acid conservation, physicochemical variation, residue mobility, and thermodynamic stability) has been performed for this missense variant. However, the output from this modeling did not meet the statistical confidence thresholds required to predict the impact of this variant on MATR3 protein function. In summary, the available evidence is currently insufficient to determine the role of this variant in disease. Therefore, it has been classified as a Variant of Uncertain Significance.

Ambry Genetics
Classification: Uncertain significance for Inborn genetic diseases. Last evaluated: 2024-04-23. Review status: criteria provided, single submitter. Criteria: Ambry Variant Classification Scheme 2023. Collection method: clinical testing. Allele origin: germline.